The following is an entry in ClinVar:

Conditions:
Breast-ovarian cancer, familial, susceptibility to, 1 (BROVCA1). Also called: BRCA1 Hereditary Breast and Ovarian Cancer; OVARIAN CANCER, SUSCEPTIBILITY TO. Identifiers: Orphanet 145, MedGen C2676676, MONDO:0011450, OMIM 604370. Disease mechanism: loss of function.

Submission:

Brotman Baty Institute, University of Washington
No classification provided (evidence only). Condition: Breast-ovarian cancer, familial 1. Review status: no classification provided. Collection method: in vitro. Allele origin: not applicable. Functional consequence: functionally_normal.
ClinVar note: "not provided" was previously submitted as the classification for the variant. However, the classification appeared to be based only on an observation of functional data so it was converted to no classification on 2025-07-30.

NM_007294.4(BRCA1):c.5193+10T>A

Gene: BRCA1 (BRCA1 DNA repair associated; minus strand). Cytogenetic location: 17q21.31.
Variant type: single nucleotide variant.
Coding change: c.5193+10T>A on transcript NM_007294.4 (MANE Select); 10 bases into the intron after coding-DNA position 5193, T replaced by A.
Molecular consequence: intron variant.
Genome position (GRCh38, 1-based): chr17:43,063,323, A>T on the plus strand (T>A on the coding strand, the complement: BRCA1 is on the minus strand). VCF-style: chr17-43063323-A-T. GRCh37 (hg19) VCF-style: chr17-41215340-A-T.
Other names: c.1740+10T>A (NM_001408458.1, NM_001408461.1, NM_001408464.1 and 7 more transcripts); c.4302+10T>A (NM_001407967.1); c.4812+10T>A (NM_001407959.1); c.4926+10T>A (NM_001407931.1, NM_001407932.1, NM_001407928.1 and 4 more transcripts); c.5049+10T>A (NM_001407747.1, NM_001407745.1, NM_001407737.1 and 21 more transcripts); c.4809+10T>A (NM_001407962.1, NM_001407960.1); c.1380+10T>A (NM_001408512.1); c.1503+10T>A (NM_001408510.1); and 72 more.
Identifiers: ClinVar variation 867797 (VCV000867797.3), dbSNP rs1567768548, ClinGen allele CA916080023.
Genomic context (GRCh38, chr17:43,063,323, plus strand): 5'-GAAGCAAATACATTTTTAACTATATGACTGAATGAATATCTCTGGTTAGTTTGTAACATC[A>T]AGTACTTACCTCATTCAGCATTTTTCTTTCTTTAATAGACTGGGTCACCCCTAAAGAGAT-3'